The following is an entry in ClinVar:

ClinVar aggregate classification (germline): Uncertain significance. Review status: criteria provided, multiple submitters, no conflicts (2 of 4 stars). 3 submissions from 3 submitters: Uncertain significance (3). Last evaluated 2024-03-06.

Conditions:
Familial thoracic aortic aneurysm and aortic dissection (TAAD). Also called: Thoracic aortic aneurysms and dissections. Identifiers: Orphanet 91387, MedGen C4707243, MONDO:0019625.
Marfan syndrome (MFS). Also called: Marfan syndrome, classic; Marfan syndrome type 1; Marfan's syndrome; FBN1-Related Marfan Syndrome; MARFAN SYNDROME, TYPE I. Identifiers: Orphanet 284963, Orphanet 558, MedGen C0024796, MONDO:0007947, OMIM 154700.

Allele frequency attached by ClinVar (database versions not stated): TOPMed 0.00001.
gnomAD v4.1: 1 of 1,614,180 alleles (0.000062%); no homozygotes.

Submissions (3):

Color Diagnostics, LLC DBA Color Health
Classification: Uncertain significance for Familial thoracic aortic aneurysm and aortic dissection. Last evaluated: 2024-03-06. Review status: criteria provided, single submitter. Criteria: ACMG Guidelines, 2015. Collection method: clinical testing. Allele origin: germline.
Comment: This missense variant replaces alanine with threonine at codon 1560 of the FBN1 protein. Computational prediction suggests that this variant may have deleterious impact on protein structure and function (internally defined REVEL score threshold >= 0.7, PMID: 27666373). To our knowledge, functional studies have not been reported for this variant. This variant has not been reported in individuals affected with cardiovascular disorders in the literature. This variant has not been identified in the general population by the Genome Aggregation Database (gnomAD). The available evidence is insufficient to determine the role of this variant in disease conclusively. Therefore, this variant is classified as a Variant of Uncertain Significance.

Ambry Genetics
Classification: Uncertain significance for Familial thoracic aortic aneurysm and aortic dissection. Last evaluated: 2023-11-22. Review status: criteria provided, single submitter. Criteria: Ambry Variant Classification Scheme 2023. Collection method: clinical testing. Allele origin: germline.
Comment: The p.A1560T variant (also known as c.4678G>A), located in coding exon 37 of the FBN1 gene, results from a G to A substitution at nucleotide position 4678. The alanine at codon 1560 is replaced by threonine, an amino acid with similar properties. This amino acid position is well conserved in available vertebrate species. In addition, this alteration is predicted to be deleterious by in silico analysis. Since supporting evidence is limited at this time, the clinical significance of this alteration remains unclear.

Labcorp Genetics (formerly Invitae), Labcorp
Classification: Uncertain significance for Marfan syndrome; Familial thoracic aortic aneurysm and aortic dissection. Last evaluated: 2023-04-07. Review status: criteria provided, single submitter. Criteria: Invitae Variant Classification Sherloc (09022015). Collection method: clinical testing. Allele origin: germline.
Comment: This variant has not been reported in the literature in individuals affected with FBN1-related conditions. In summary, the available evidence is currently insufficient to determine the role of this variant in disease. Therefore, it has been classified as a Variant of Uncertain Significance. Advanced modeling of protein sequence and biophysical properties (such as structural, functional, and spatial information, amino acid conservation, physicochemical variation, residue mobility, and thermodynamic stability) performed at Invitae indicates that this missense variant is expected to disrupt FBN1 protein function. ClinVar contains an entry for this variant (Variation ID: 924693). This variant is not present in population databases (gnomAD no frequency). This sequence change replaces alanine, which is neutral and non-polar, with threonine, which is neutral and polar, at codon 1560 of the FBN1 protein (p.Ala1560Thr).

NM_000138.5(FBN1):c.4678G>A (p.Ala1560Thr)

Gene: FBN1 (fibrillin 1; minus strand). Cytogenetic location: 15q21.1.
Variant type: single nucleotide variant.
Coding change: c.4678G>A on transcript NM_000138.5 (MANE Select); coding-DNA position 4678, G replaced by A.
Protein change: p.Ala1560Thr; replaces alanine 1560 with threonine.
Molecular consequence: missense variant.
Genome position (GRCh38, 1-based): chr15:48,468,007, C>T on the plus strand (G>A on the coding strand, the complement: FBN1 is on the minus strand). VCF-style: chr15-48468007-C-T. GRCh37 (hg19) VCF-style: chr15-48760204-C-T.
Other names: short protein forms A1560T.
Identifiers: ClinVar variation 924693 (VCV000924693.8), dbSNP rs142858432, ClinGen allele CA392352989.